The following is an entry in ClinVar:

NM_194454.3(KRIT1):c.1972G>A (p.Val658Met)

Gene: KRIT1 (KRIT1 ankyrin repeat containing; minus strand). Cytogenetic location: 7q21.2.
Variant type: single nucleotide variant.
Coding change: c.1972G>A on transcript NM_194454.3 (MANE Select); coding-DNA position 1972, G replaced by A.
Protein change: p.Val658Met; replaces valine 658 with methionine.
Molecular consequence: missense variant.
Genome position (GRCh38, 1-based): chr7:92,213,248, C>T on the plus strand (G>A on the coding strand, the complement: KRIT1 is on the minus strand). VCF-style: chr7-92213248-C-T. GRCh37 (hg19) VCF-style: chr7-91842562-C-T.
Other names: NC_000007.13:g.91842562C>T; c.1828G>A, p.Val610Met (NM_001013406.2, NM_001350669.1, NM_001350670.1); c.1258G>A, p.Val420Met (NM_001350671.1); c.1972G>A, p.Val658Met (NM_001350672.1, NM_001350673.1, NM_001350674.1 and 26 more transcripts); short protein forms V420M, V610M, V658M.
Identifiers: ClinVar variation 2632565 (VCV002632565.3), dbSNP rs1793270392, ClinGen allele CA368139466.

ClinVar aggregate classification (germline): Uncertain significance. Review status: criteria provided, multiple submitters, no conflicts (2 of 4 stars). 2 submissions from 2 submitters: Uncertain significance (2). Last evaluated 2024-01-04.

Conditions:
KRIT1-related disorder. Also called: KRIT1-related condition; KRIT1-related disorders.

Allele frequency attached by ClinVar (database versions not stated): gnomAD exomes below 0.00001; gnomAD 0.00001.
gnomAD v4.1: 3 of 1,613,396 alleles (0.00019%); highest among the groups gnomAD compares: Non-Finnish European, 0.00025%; no homozygotes.

Submissions (3):

Blueprint Genetics
Classification: Uncertain significance. Last evaluated: 2024-01-04. Review status: criteria provided, single submitter. Criteria: ACMG Guidelines, 2015. Collection method: clinical testing. Allele origin: germline.

PreventionGenetics, part of Exact Sciences
Classification: Uncertain significance for KRIT1-related condition. Last evaluated: 2023-06-16. Review status: criteria provided, single submitter. Criteria: ACMG Guidelines, 2015. Collection method: clinical testing. Allele origin: germline.
Comment: The KRIT1 c.1972G>A variant is predicted to result in the amino acid substitution p.Val658Met. To our knowledge, this variant has not been reported in the literature or in a large population database, indicating this variant is rare. At this time, the clinical significance of this variant is uncertain due to the absence of conclusive functional and genetic evidence.

Dr. Peter K. Rogan Lab, Western University
No classification provided (evidence only). Condition: Ovarian serous cystadenocarcinoma. Review status: no classification provided. Collection method: in vitro. Allele origin: not applicable. Functional consequence: retained intron. Not counted in ClinVar's aggregate classification.